The following is an entry in ClinVar:

NM_001099922.3(ALG13):c.203A>C (p.Lys68Thr)

Gene: ALG13 (ALG13 UDP-N-acetylglucosaminyltransferase subunit; plus strand). Cytogenetic location: Xq23.
Variant type: single nucleotide variant.
Coding change: c.203A>C on transcript NM_001099922.3 (MANE Select); coding-DNA position 203, A replaced by C.
Protein change: p.Lys68Thr; replaces lysine 68 with threonine.
Molecular consequence: missense variant. On other transcripts: 5 prime UTR variant (9), non-coding transcript variant (3), intron variant (3).
Genome position (GRCh38, 1-based): chrX:111,682,253, A>C. VCF-style: chrX-111682253-A-C. GRCh37 (hg19) VCF-style: chrX-110925481-A-C.
Other names: c.203A>C (NM_001099922.2); c.203A>C, p.Lys68Thr (NM_001168385.3, NM_001324290.2, NM_001324292.2 and 1 more transcripts); c.-110A>C (NM_001257230.2, NM_001257234.2, NM_001257235.3 and 6 more transcripts); c.10+18A>C (NM_001257231.2, NM_001257241.3); c.185+18A>C (NM_001039210.5); short protein forms K68T.
Identifiers: ClinVar variation 3704458 (VCV003704458.3).
Genomic context (GRCh38, chrX:111,682,253, plus strand): 5'-CTGAACCCTTCAGTACTGAGTCGTTTACTCTGGATGTTTACAGGTACAAGGATTCCTTGA[A>C]AGAAGACATTCAGAAAGCAGATCTTGTTATTAGTCACGCAGGTAAAGGTGCCTAAGAATC-3'
Protein context (NP_001093392.1, residues 58-78): LDVYRYKDSL[Lys68Thr]EDIQKADLVI

ClinVar aggregate classification (germline): Uncertain significance. Review status: criteria provided, multiple submitters, no conflicts (2 of 4 stars). 2 submissions from 2 submitters: Uncertain significance (2). Last evaluated 2025-02-05.

Conditions:
Inborn genetic diseases. Identifiers: MedGen C0950123, MeSH D030342.
Developmental and epileptic encephalopathy, 36 (DEE36). Also called: Epileptic encephalopathy, early infantile, 36; ALG13-CDG; Congenital disorder of glycosylation, type Is. Identifiers: Orphanet 324422, MedGen C4317295, MONDO:0010472, OMIM 300884.

gnomAD v4.1: 6 of 1,196,617 alleles (0.0005%); highest among the groups gnomAD compares: East Asian, 0.015%; no homozygotes.

Submissions (2):

Ambry Genetics
Classification: Uncertain significance for Inborn genetic diseases. Last evaluated: 2025-02-05. Review status: criteria provided, single submitter. Criteria: Ambry Variant Classification Scheme 2023. Collection method: clinical testing. Allele origin: germline.

Labcorp Genetics (formerly Invitae), Labcorp
Classification: Uncertain significance for Developmental and epileptic encephalopathy, 36. Last evaluated: 2024-05-22. Review status: criteria provided, single submitter. Criteria: Invitae Variant Classification Sherloc (09022015). Collection method: clinical testing. Allele origin: germline.
Comment: This sequence change replaces lysine, which is basic and polar, with threonine, which is neutral and polar, at codon 68 of the ALG13 protein (p.Lys68Thr). This variant is not present in population databases (gnomAD no frequency). This variant has not been reported in the literature in individuals affected with ALG13-related conditions. An algorithm developed to predict the effect of missense changes on protein structure and function (PolyPhen-2) suggests that this variant is likely to be tolerated. In summary, the available evidence is currently insufficient to determine the role of this variant in disease. Therefore, it has been classified as a Variant of Uncertain Significance.